The following is an entry in ClinVar:

ClinVar aggregate classification (germline): Uncertain significance (1 of 4 stars; one submission).

Submission:

CeGaT Center for Human Genetics Tuebingen
Classification: Uncertain significance. Last evaluated: 2023-09-01. Review status: criteria provided, single submitter. Criteria: CeGaT Center For Human Genetics Tuebingen Variant Classification Criteria Version 2. Collection method: clinical testing. Allele origin: germline. Affected: yes. Observed: 1 variant allele.
Comment: POGZ: PM2, BP4

NM_015100.4(POGZ):c.3598A>C (p.Ser1200Arg)

Gene: POGZ (pogo transposable element derived with ZNF domain; minus strand). Cytogenetic location: 1q21.3.
Variant type: single nucleotide variant.
Coding change: c.3598A>C on transcript NM_015100.4 (MANE Select); coding-DNA position 3598, A replaced by C.
Protein change: p.Ser1200Arg; replaces serine 1200 with arginine.
Molecular consequence: missense variant.
Genome position (GRCh38, 1-based): chr1:151,405,437, T>G on the plus strand (A>C on the coding strand, the complement: POGZ is on the minus strand). VCF-style: chr1-151405437-T-G. GRCh37 (hg19) VCF-style: chr1-151377913-T-G.
Other names: c.3571A>C, p.Ser1191Arg (NM_001194937.2); c.3412A>C, p.Ser1138Arg (NM_001194938.2); c.3619A>C, p.Ser1207Arg (NM_001410860.1); c.3313A>C, p.Ser1105Arg (NM_145796.4); c.3439A>C, p.Ser1147Arg (NM_207171.2); short protein forms S1105R, S1138R, S1147R, S1191R, S1200R, S1207R.
Identifiers: ClinVar variation 2639174 (VCV002639174.24), dbSNP rs757736540, ClinGen allele CA341941594.